The following is an entry in ClinVar:

NM_019055.6(ROBO4):c.1817G>A (p.Arg606His)

Gene: ROBO4 (roundabout guidance receptor 4; minus strand). Cytogenetic location: 11q24.2.
Variant type: single nucleotide variant.
Coding change: c.1817G>A on transcript NM_019055.6 (MANE Select); coding-DNA position 1817, G replaced by A.
Protein change: p.Arg606His; replaces arginine 606 with histidine.
Molecular consequence: missense variant.
Genome position (GRCh38, 1-based): chr11:124,891,430, C>T on the plus strand (G>A on the coding strand, the complement: ROBO4 is on the minus strand). VCF-style: chr11-124891430-C-T. GRCh37 (hg19) VCF-style: chr11-124761326-C-T.
Other names: c.1382G>A, p.Arg461His (NM_001301088.2); short protein forms R606H, R461H.
Identifiers: ClinVar variation 713013 (VCV000713013.17), dbSNP rs149507368, ClinGen allele CA6344804.

ClinVar aggregate classification (germline): Benign/Likely benign. Review status: criteria provided, multiple submitters, no conflicts (2 of 4 stars). 6 submissions from 6 submitters: Benign (1); Likely benign (4). 1 of the submissions does not count toward it. Last evaluated 2026-08-01.

Conditions:
ROBO4-related disorder. Also called: ROBO4-related condition.
Familial thoracic aortic aneurysm and aortic dissection (TAAD). Also called: Thoracic aortic aneurysms and dissections. Identifiers: Orphanet 91387, MedGen C4707243, MONDO:0019625.

Allele frequency attached by ClinVar (database versions not stated): 1000 Genomes Project 30x 0.00094; 1000 Genomes Project 0.00120; TOPMed 0.00280; gnomAD 0.00315 and 0.00324; ESP Exome Variant Server 0.00354.
gnomAD v4.1: 7,475 of 1,592,004 alleles (0.47%); highest among the groups gnomAD compares: Non-Finnish European, 0.57%; 18 homozygotes.

Submissions (6):

CeGaT Center for Human Genetics Tuebingen
Classification: Likely benign. Last evaluated: 2026-08-01. Review status: criteria provided, single submitter. Criteria: CeGaT Center For Human Genetics Tuebingen Variant Classification Criteria Version 2. Collection method: clinical testing. Allele origin: germline. Affected: yes. Observed: 4 variant alleles.
Comment: ROBO4: BP4, BS2

Blueprint Genetics
Classification: Likely benign. Last evaluated: 2024-11-27. Review status: criteria provided, single submitter. Criteria: ACMG Guidelines, 2015. Collection method: clinical testing. Allele origin: germline.

CHEO Genetics Diagnostic Laboratory, Children's Hospital of Eastern Ontario
Classification: Benign for Familial thoracic aortic aneurysm and aortic dissection. Last evaluated: 2023-03-21. Review status: criteria provided, single submitter. Criteria: ACMG Guidelines, 2015. Collection method: clinical testing. Allele origin: germline.

Labcorp Genetics (formerly Invitae), Labcorp
Classification: Likely benign. Last evaluated: 2019-12-31. Review status: criteria provided, single submitter. Criteria: Invitae Variant Classification Sherloc (09022015). Collection method: clinical testing. Allele origin: germline.

Breakthrough Genomics
Classification: Likely benign. Review status: criteria provided, single submitter. Criteria: ACMG Guidelines, 2015. Collection method: not provided. Allele origin: germline. Inheritance: Autosomal dominant inheritance. Affected: yes.

PreventionGenetics, part of Exact Sciences
Classification: Likely benign for ROBO4-related condition. Last evaluated: 2021-11-29. Review status: no assertion criteria provided. Collection method: clinical testing. Allele origin: germline. Not counted in ClinVar's aggregate classification.
Comment: This variant is classified as likely benign based on ACMG/AMP sequence variant interpretation guidelines (Richards et al. 2015 PMID: 25741868, with internal and published modifications).